The following is an entry in ClinVar:

NM_024426.6(WT1):c.1138G>A (p.Ala380Thr)

Gene: WT1 (WT1 transcription factor; minus strand). Cytogenetic location: 11p13.
Variant type: single nucleotide variant.
Coding change: c.1138G>A on transcript NM_024426.6 (MANE Select); coding-DNA position 1138, G replaced by A.
Protein change: p.Ala380Thr; replaces alanine 380 with threonine.
Molecular consequence: missense variant. On other transcripts: non-coding transcript variant (2), 5 prime UTR variant (1).
Genome position (GRCh38, 1-based): chr11:32,396,383, C>T on the plus strand (G>A on the coding strand, the complement: WT1 is on the minus strand). VCF-style: chr11-32396383-C-T. GRCh37 (hg19) VCF-style: chr11-32417929-C-T.
Other names: c.376G>A, p.Ala126Thr (NM_001407051.1); c.919G>A, p.Ala307Thr (NM_001429031.1, NM_001429032.1); c.868G>A, p.Ala290Thr (NM_001429033.1, NM_001429034.1); c.1138G>A, p.Ala380Thr (NM_024424.5, NM_001407046.1); c.1087G>A, p.Ala363Thr (NM_000378.6, NM_001407045.1, NM_001407048.1 and 1 more transcripts); c.487G>A, p.Ala163Thr (NM_001198551.2); c.436G>A, p.Ala146Thr (NM_001198552.2); c.-51G>A (NM_001367854.1); and 3 more; short protein forms A307T, A322T, A378T, A126T, A163T, A146T, A290T, A339T.
Identifiers: ClinVar variation 4202212 (VCV004202212.1).

ClinVar aggregate classification (germline): Uncertain significance (1 of 4 stars; one submission).

Conditions:
Inborn genetic diseases. Identifiers: MedGen C0950123, MeSH D030342.

Submission:

Ambry Genetics
Classification: Uncertain significance for Inborn genetic diseases. Last evaluated: 2025-07-01. Review status: criteria provided, single submitter. Criteria: Ambry Variant Classification Scheme 2023. Collection method: clinical testing. Allele origin: germline.
Comment: The p.A375T variant (also known as c.1123G>A), located in coding exon 7 of the WT1 gene, results from a G to A substitution at nucleotide position 1123. The alanine at codon 375 is replaced by threonine, an amino acid with similar properties. This amino acid position is well conserved in available vertebrate species. In addition, this alteration is predicted to be tolerated by in silico analysis. Based on the available evidence, the clinical significance of this variant remains unclear.